The following is an entry in ClinVar:

ClinVar aggregate classification (germline): Uncertain significance. Review status: criteria provided, multiple submitters, no conflicts (2 of 4 stars). 3 submissions from 3 submitters: Uncertain significance (3). Last evaluated 2025-03-06.

Conditions:
Inborn genetic diseases. Identifiers: MedGen C0950123, MeSH D030342.

Allele frequency attached by ClinVar (database versions not stated): ExAC 0.00003; TOPMed 0.00003; gnomAD 0.00004.
gnomAD v4.1: 104 of 1,613,934 alleles (0.0064%); highest among the groups gnomAD compares: Non-Finnish European, 0.0087%; no homozygotes.

Submissions (3):

Ambry Genetics
Classification: Uncertain significance for Inborn genetic diseases. Last evaluated: 2025-03-06. Review status: criteria provided, single submitter. Criteria: Ambry Variant Classification Scheme 2023. Collection method: clinical testing. Allele origin: germline.

Blueprint Genetics
Classification: Uncertain significance. Last evaluated: 2023-06-05. Review status: criteria provided, single submitter. Criteria: ACMG Guidelines, 2015. Collection method: clinical testing. Allele origin: germline.

Labcorp Genetics (formerly Invitae), Labcorp
Classification: Uncertain significance. Last evaluated: 2022-05-21. Review status: criteria provided, single submitter. Criteria: Invitae Variant Classification Sherloc (09022015). Collection method: clinical testing. Allele origin: germline.
Comment: This sequence change replaces proline, which is neutral and non-polar, with arginine, which is basic and polar, at codon 324 of the FKBP10 protein (p.Pro324Arg). This variant is present in population databases (rs781960934, gnomAD 0.004%). This variant has not been reported in the literature in individuals affected with FKBP10-related conditions. Algorithms developed to predict the effect of missense changes on protein structure and function are either unavailable or do not agree on the potential impact of this missense change (SIFT: "Tolerated"; PolyPhen-2: "Possibly Damaging"; Align-GVGD: "Class C0"). In summary, the available evidence is currently insufficient to determine the role of this variant in disease. Therefore, it has been classified as a Variant of Uncertain Significance.

NM_021939.4(FKBP10):c.971C>G (p.Pro324Arg)

Gene: FKBP10 (FKBP prolyl isomerase 10; plus strand). Cytogenetic location: 17q21.2.
Variant type: single nucleotide variant.
Coding change: c.971C>G on transcript NM_021939.4 (MANE Select); coding-DNA position 971, C replaced by G.
Protein change: p.Pro324Arg; replaces proline 324 with arginine.
Molecular consequence: missense variant.
Genome position (GRCh38, 1-based): chr17:41,819,583, C>G. VCF-style: chr17-41819583-C-G. GRCh37 (hg19) VCF-style: chr17-39975835-C-G.
Other names: short protein forms P324R.
Identifiers: ClinVar variation 2044866 (VCV002044866.3), dbSNP rs781960934, ClinGen allele CA8566443.